The following is an entry in ClinVar:

NM_133259.4(LRPPRC):c.1195G>T (p.Glu399Ter)

Gene: LRPPRC (leucine rich pentatricopeptide repeat containing; minus strand). Cytogenetic location: 2p21.
Variant type: single nucleotide variant.
Coding change: c.1195G>T on transcript NM_133259.4 (MANE Select); coding-DNA position 1195, G replaced by T.
Protein change: p.Glu399Ter; replaces glutamic acid 399 with a stop codon.
Molecular consequence: nonsense.
Genome position (GRCh38, 1-based): chr2:43,973,861, C>A on the plus strand (G>T on the coding strand, the complement: LRPPRC is on the minus strand). VCF-style: chr2-43973861-C-A. GRCh37 (hg19) VCF-style: chr2-44201000-C-A.
Other names: short protein forms E399*.
Identifiers: ClinVar variation 5014458 (VCV005014458.1).
Genomic context (GRCh38, chr2:43,973,861, plus strand): 5'-TATTGGCGAGTAAAGCACAATGGAGGGTGAACTGCAGAGGAAAGGAGTGCATCTGGACTT[C>A]CTTTAACTTCTTACAGTAGTCTGTTAGCTTCTCCACAGGCTGTGGGAAAAAAGTCACCAC-3'

ClinVar aggregate classification (germline): Pathogenic (1 of 4 stars; one submission).

Conditions:
Congenital lactic acidosis, Saguenay-Lac-Saint-Jean type (MC4DN5). Also called: CYTOCHROME c OXIDASE DEFICIENCY, FRENCH CANADIAN TYPE; COX DEFICIENCY, FRENCH CANADIAN TYPE; MITOCHONDRIAL COMPLEX IV DEFICIENCY, NUCLEAR TYPE 5. Identifiers: Orphanet 70472, MedGen C1857355, MONDO:0009069, OMIM 220111.

Submission:

Myriad Genetics, Inc.
Classification: Pathogenic for Congenital lactic acidosis, Saguenay-Lac-Saint-Jean type. Last evaluated: 2025-05-17. Review status: criteria provided, single submitter. Criteria: Myriad Autosomal Dominant, Autosomal Recessive and X-Linked Classification Criteria (2023). Collection method: clinical testing. Allele origin: unknown.
Comment: NM_133259.3(LRPPRC):c.1195G>T(E399*) is expected to be pathogenic in the context of Leigh syndrome, French-Canadian type. This variant is predicted to lead to an abnormal or absent protein product due to the creation of a premature termination codon in LRPPRC, a gene where loss-of-function variants are known to be pathogenic. Please note: this variant was assessed in the context of healthy population screening.